The following is an entry in ClinVar:

NM_000044.6(AR):c.865G>A (p.Glu289Lys)

Gene: AR (androgen receptor; plus strand). Cytogenetic location: Xq12.
Variant type: single nucleotide variant.
Coding change: c.865G>A on transcript NM_000044.6 (MANE Select); coding-DNA position 865, G replaced by A.
Protein change: p.Glu289Lys; replaces glutamic acid 289 with lysine.
Molecular consequence: missense variant. On other transcripts: 5 prime UTR variant (1).
Genome position (GRCh38, 1-based): chrX:67,546,011, G>A. VCF-style: chrX-67546011-G-A. GRCh37 (hg19) VCF-style: chrX-66765853-G-A.
Other names: c.-919G>A (NM_001011645.3); c.865G>A, p.Glu289Lys (NM_001348061.1, NM_001348063.1, NM_001348064.1 and 1 more transcripts); short protein forms E289K.
Identifiers: ClinVar variation 3128180 (VCV003128180.3), dbSNP rs750324117, ClinGen allele CA10436327.

ClinVar aggregate classification (germline): Uncertain significance. Review status: criteria provided, multiple submitters, no conflicts (2 of 4 stars). 2 submissions from 2 submitters: Uncertain significance (2). Last evaluated 2024-12-05.

Conditions:
Kennedy disease (SMAX1). Also called: SPINAL AND BULBAR MUSCULAR ATROPHY, X-LINKED 1; KENNEDY SPINAL AND BULBAR MUSCULAR ATROPHY; Spinal and Bulbar Muscular Atrophy. Identifiers: Orphanet 481, MedGen C1839259, MONDO:0010735, OMIM 313200.
Androgen resistance syndrome (AIS). Also called: ANDROGEN RECEPTOR DEFICIENCY; DIHYDROTESTOSTERONE RECEPTOR DEFICIENCY; TESTICULAR FEMINIZATION SYNDROME; Androgen insensitivity syndrome; Androgen insensitivity, complete; DHTR DEFICIENCY. Identifiers: Orphanet 754, Orphanet 99429, MedGen C0039585, MONDO:0019154, OMIM 300068. Disease mechanism: loss of function.
Inborn genetic diseases. Identifiers: MedGen C0950123, MeSH D030342.

Allele frequency attached by ClinVar (database versions not stated): gnomAD exomes 0.00001; ExAC 0.00002; gnomAD 0.00010; TOPMed 0.00016; 1000 Genomes Project 30x 0.00021; 1000 Genomes Project 0.00026.
gnomAD v4.1: 18 of 1,211,068 alleles (0.0015%); highest among the groups gnomAD compares: African/African-American, 0.024%; no homozygotes.

Submissions (2):

Labcorp Genetics (formerly Invitae), Labcorp
Classification: Uncertain significance for Kennedy disease; Androgen resistance syndrome. Last evaluated: 2024-12-05. Review status: criteria provided, single submitter. Criteria: Invitae Variant Classification Sherloc (09022015). Collection method: clinical testing. Allele origin: germline.
Comment: This sequence change replaces glutamic acid, which is acidic and polar, with lysine, which is basic and polar, at codon 289 of the AR protein (p.Glu289Lys). This variant is present in population databases (rs750324117, gnomAD 0.03%), including at least one homozygous and/or hemizygous individual. This variant has not been reported in the literature in individuals affected with AR-related conditions. ClinVar contains an entry for this variant (Variation ID: 3128180). Invitae Evidence Modeling of protein sequence and biophysical properties (such as structural, functional, and spatial information, amino acid conservation, physicochemical variation, residue mobility, and thermodynamic stability) has been performed for this missense variant. However, the output from this modeling did not meet the statistical confidence thresholds required to predict the impact of this variant on AR protein function. In summary, the available evidence is currently insufficient to determine the role of this variant in disease. Therefore, it has been classified as a Variant of Uncertain Significance.

Ambry Genetics
Classification: Uncertain significance for Inborn genetic diseases. Last evaluated: 2023-09-20. Review status: criteria provided, single submitter. Criteria: Ambry Variant Classification Scheme 2023. Collection method: clinical testing. Allele origin: germline.